The following is an entry in ClinVar:

NM_000388.4(CASR):c.2026A>T (p.Thr676Ser)

Gene: CASR (calcium sensing receptor; plus strand). Cytogenetic location: 3q21.1.
Variant type: single nucleotide variant.
Coding change: c.2026A>T on transcript NM_000388.4 (MANE Select); coding-DNA position 2026, A replaced by T.
Protein change: p.Thr676Ser; replaces threonine 676 with serine.
Molecular consequence: missense variant.
Genome position (GRCh38, 1-based): chr3:122,283,980, A>T. VCF-style: chr3-122283980-A-T. GRCh37 (hg19) VCF-style: chr3-122002827-A-T.
Other names: c.2056A>T, p.Thr686Ser (NM_001178065.2); short protein forms T686S, T676S.
Identifiers: ClinVar variation 948828 (VCV000948828.8), dbSNP rs2074927990, ClinGen allele CA354158336.
Genomic context (GRCh38, chr3:122,283,980, plus strand): 5'-TTCTCCCTGCTCTGCTGCTTCTCCAGCTCCCTGTTCTTCATCGGGGAGCCCCAGGACTGG[A>T]CGTGCCGCCTGCGCCAGCCGGCCTTTGGCATCAGCTTCGTGCTCTGCATCTCATGCATCC-3'
Protein context (NP_000379.3, residues 666-686): LFFIGEPQDW[Thr676Ser]CRLRQPAFGI

ClinVar aggregate classification (germline): Uncertain significance (1 of 4 stars; one submission).

Conditions:
Familial hypocalciuric hypercalcemia (FHH). Also called: Familial benign hypercalcemia. Identifiers: Orphanet 405, MedGen C1809471, MONDO:0018458.
Autosomal dominant hypocalcemia 1 (HYPOC1). Also called: HYPOCALCEMIA, FAMILIAL. Identifiers: MedGen C3715128, MONDO:0011013, OMIM 601198.

Submission:

Labcorp Genetics (formerly Invitae), Labcorp
Classification: Uncertain significance for Familial hypocalciuric hypercalcemia; Autosomal dominant hypocalcemia 1. Last evaluated: 2025-01-06. Review status: criteria provided, single submitter. Criteria: Invitae Variant Classification Sherloc (09022015). Collection method: clinical testing. Allele origin: germline.
Comment: This sequence change replaces threonine, which is neutral and polar, with serine, which is neutral and polar, at codon 676 of the CASR protein (p.Thr676Ser). This variant is not present in population databases (gnomAD no frequency). This variant has not been reported in the literature in individuals affected with CASR-related conditions. ClinVar contains an entry for this variant (Variation ID: 948828). An algorithm developed to predict the effect of missense changes on protein structure and function (PolyPhen-2) suggests that this variant is likely to be tolerated. In summary, the available evidence is currently insufficient to determine the role of this variant in disease. Therefore, it has been classified as a Variant of Uncertain Significance.